The following is an entry in ClinVar:

ClinVar aggregate classification (germline): Uncertain significance (1 of 4 stars; one submission).

Conditions:
Shashi-Pena syndrome (SHAPNS). Identifiers: Orphanet 689408, MedGen C4310672, MONDO:0014963, OMIM 617190.

gnomAD v4.1: 4 of 1,613,954 alleles (0.00025%); highest among the groups gnomAD compares: Non-Finnish European, 0.00025%; no homozygotes.

Submission:

Victorian Clinical Genetics Services, Murdoch Childrens Research Institute
Classification: Uncertain significance for Shashi-Pena syndrome. Last evaluated: 2020-05-21. Review status: criteria provided, single submitter. Criteria: ACMG Guidelines, 2015. Collection method: clinical testing. Allele origin: germline. Inheritance: Autosomal dominant inheritance.
Comment: Based on the classification scheme VCGS_Germline_v1.1.1, this variant is classified as VUS. Following criteria are met: 0104 - Dominant Negative is a mechanism of disease for this gene. (N) 0107 - This gene is known to be associated with autosomal dominant disease. (N) 0200 - Variant is predicted to result in a missense amino acid change from proline to leucine (exon 12). (N) 0251 - Variant is heterozygous. (N) 0301 - Variant is absent from gnomAD. (P) 0309 - An alternative amino acid change at the same position has been observed in gnomAD (66 Het, 0 Hom) (N). 0502 - Missense variant with conflicting in silico predictions and/or uninformative conservation. (N) 0604 - Variant is not located in an established domain, motif, hotspot or informative constraint region. (N) 0705 - No comparable variants have previous evidence for pathogenicity. (N) 0807 - Variant has not previously been reported in a clinical context (N). 0905 - No segregation evidence has been identified for this variant. (N) 1007 - No published functional evidence has been identified for this variant. (N) Legend: (P) - Pathogenic, (N) - Neutral, (B) - Benign

NM_018263.6(ASXL2):c.1388C>T (p.Pro463Leu)

Gene: ASXL2 (ASXL transcriptional regulator 2; minus strand). Cytogenetic location: 2p23.3.
Variant type: single nucleotide variant.
Coding change: c.1388C>T on transcript NM_018263.6 (MANE Select); coding-DNA position 1388, C replaced by T.
Protein change: p.Pro463Leu; replaces proline 463 with leucine.
Molecular consequence: missense variant.
Genome position (GRCh38, 1-based): chr2:25,750,168, G>A on the plus strand (C>T on the coding strand, the complement: ASXL2 is on the minus strand). VCF-style: chr2-25750168-G-A. GRCh37 (hg19) VCF-style: chr2-25973037-G-A.
Other names: c.1214C>T, p.Pro405Leu (NM_001369346.1); c.608C>T, p.Pro203Leu (NM_001369347.1); short protein forms P203L, P405L, P463L.
Identifiers: ClinVar variation 1806018 (VCV001806018.1), dbSNP rs184535083, ClinGen allele CA346076356.